The following is an entry in ClinVar:

NM_000255.4(MMUT):c.613G>A (p.Glu205Lys)

Gene: MMUT (methylmalonyl-CoA mutase; minus strand). Cytogenetic location: 6p12.3.
Variant type: single nucleotide variant.
Coding change: c.613G>A on transcript NM_000255.4 (MANE Select); coding-DNA position 613, G replaced by A.
Protein change: p.Glu205Lys; replaces glutamic acid 205 with lysine.
Molecular consequence: missense variant.
Genome position (GRCh38, 1-based): chr6:49,457,831, C>T on the plus strand (G>A on the coding strand, the complement: MMUT is on the minus strand). VCF-style: chr6-49457831-C-T. GRCh37 (hg19) VCF-style: chr6-49425544-C-T.
Other names: short protein forms E205K.
Identifiers: ClinVar variation 2418941 (VCV002418941.6), dbSNP rs2481347058, ClinGen allele CA364404354.
Genomic context (GRCh38, chr6:49,457,831, plus strand): 5'-ATTCCTTTAGTATATCATTTTGGATGGTACCAGTAAGCTTCTCTTTAGGTACACCTTGTT[C>T]TTCTCCAGTTACTATAAAATTTGCAAGAACTGGAATAACTGCTCCATTCATAGTCATGGA-3'
Protein context (NP_000246.2, residues 195-215): VLANFIVTGE[Glu205Lys]QGVPKEKLTG

ClinVar aggregate classification (germline): Pathogenic (1 of 4 stars; one submission).

Allele frequency attached by ClinVar (database versions not stated): gnomAD exomes below 0.00001.

Submission:

Labcorp Genetics (formerly Invitae), Labcorp
Classification: Pathogenic. Last evaluated: 2022-09-28. Review status: criteria provided, single submitter. Criteria: Invitae Variant Classification Sherloc (09022015). Collection method: clinical testing. Allele origin: germline.
Comment: For these reasons, this variant has been classified as Pathogenic. Advanced modeling of protein sequence and biophysical properties (such as structural, functional, and spatial information, amino acid conservation, physicochemical variation, residue mobility, and thermodynamic stability) performed at Invitae indicates that this missense variant is expected to disrupt MUT protein function. This missense change has been observed in individual(s) with methylmalonic aciduria (PMID: 31466887, 33413471). This variant is not present in population databases (gnomAD no frequency). This sequence change replaces glutamic acid, which is acidic and polar, with lysine, which is basic and polar, at codon 205 of the MUT protein (p.Glu205Lys).

Literature cited by the submitters: PubMed 31466887; PubMed 33413471.